The following is an entry in ClinVar:

ClinVar aggregate classification (germline): Benign/Likely benign. Review status: criteria provided, multiple submitters, no conflicts (2 of 4 stars). 5 submissions from 5 submitters: Benign (1); Likely benign (4). Last evaluated 2026-08-04.

Conditions:
Hereditary pheochromocytoma and paraganglioma. Also called: Hereditary paragangliomas and pheochromocytomas; Hereditary Paraganglioma-Pheochromocytoma Syndromes; Hereditary pheochromocytoma-paraganglioma. Identifiers: Orphanet 29072, MedGen C4274332, MONDO:0017366.
Pheochromocytoma/paraganglioma syndrome 2. Also called: SDHAF2-Related Hereditary Paraganglioma-Pheochromocytoma Syndrome (Paragangliomas 2); Paragangliomas 2; SDHAF2-Related Hereditary Paraganglioma-Pheochromocytoma Syndrome; GLOMUS TUMORS, FAMILIAL, 2. Identifiers: Orphanet 29072, MedGen C1866552, MONDO:0011121, OMIM 601650.
Hereditary cancer-predisposing syndrome. Also called: Tumor predisposition; Neoplastic Syndromes, Hereditary; Hereditary Cancer Syndrome; Hereditary neoplastic syndrome. Identifiers: Orphanet 140162, MedGen C0027672, MeSH D009386, MONDO:0015356.

gnomAD v4.1: 15 of 1,614,104 alleles (0.00093%); highest among the groups gnomAD compares: Admixed American, 0.0033%; no homozygotes.

Submissions (5):

Myriad Genetics, Inc.
Classification: Benign for Pheochromocytoma/paraganglioma syndrome 2. Last evaluated: 2026-08-04. Review status: criteria provided, single submitter. Criteria: Myriad Autosomal Dominant, Autosomal Recessive and X-Linked Classification Criteria (2023). Collection method: clinical testing. Allele origin: unknown.
Comment: This variant is considered benign. This variant is a silent/synonymous amino acid change and it is not expected to impact splicing.

Labcorp Genetics (formerly Invitae), Labcorp
Classification: Likely benign for Hereditary pheochromocytoma and paraganglioma. Last evaluated: 2026-02-03. Review status: criteria provided, single submitter. Criteria: Invitae Variant Classification Sherloc (09022015). Collection method: clinical testing. Allele origin: germline.

All of Us Research Program, National Institutes of Health
Classification: Likely benign for Hereditary pheochromocytoma and paraganglioma. Last evaluated: 2024-07-29. Review status: criteria provided, single submitter. Criteria: ACMG Guidelines, 2015. Collection method: clinical testing. Allele origin: germline. Inheritance: Autosomal dominant inheritance. Observed: 3 variant alleles, 3 heterozygotes.
Comment: This study involves interpretation of variants in research participants for the purpose of population health screening. Participant phenotype was not available at the time of variant classification. Additional details can be found in publication PMID: 35346344, PMCID: PMC8962531

Color Diagnostics, LLC DBA Color Health
Classification: Likely benign for Hereditary pheochromocytoma and paraganglioma. Last evaluated: 2024-07-23. Review status: criteria provided, single submitter. Criteria: ACMG Guidelines, 2015. Collection method: clinical testing. Allele origin: germline.

Ambry Genetics
Classification: Likely benign for Hereditary cancer-predisposing syndrome. Last evaluated: 2017-06-13. Review status: criteria provided, single submitter. Criteria: Ambry Variant Classification Scheme 2023. Collection method: clinical testing. Allele origin: germline.

NM_017841.4(SDHAF2):c.6G>T (p.Ala2=)

Gene: SDHAF2 (succinate dehydrogenase complex assembly factor 2; plus strand). Cytogenetic location: 11q12.2.
Variant type: single nucleotide variant.
Coding change: c.6G>T on transcript NM_017841.4 (MANE Select); coding-DNA position 6, G replaced by T.
Protein change: p.Ala2=; no amino-acid change (alanine 2 retained).
Molecular consequence: synonymous variant.
Genome position (GRCh38, 1-based): chr11:61,430,152, G>T. VCF-style: chr11-61430152-G-T. GRCh37 (hg19) VCF-style: chr11-61197624-G-T.
Identifiers: ClinVar variation 486411 (VCV000486411.19), dbSNP rs747571875, ClinGen allele CA059558.
Genomic context (GRCh38, chr11:61,430,152, plus strand): 5'-GGCTAGGAGTTCCCGGAAGTGCCCGCGCAGCCGGTTTCCGGTGCAGGTGGGGAAAATGGC[G>T]GTGTCTACAGTGTTCTCGACTTCGTCGCTGGTGAGGAGAGAGAACGTTCTAGCGTCCGGG-3'
Protein context (NP_060311.1, residues 1-12): M[Ala2=]VSTVFSTSSL